The following is an entry in ClinVar:

NM_022765.4(MICAL1):c.823A>G (p.Lys275Glu)

Gene: MICAL1 (microtubule associated monooxygenase, calponin and LIM domain containing 1; minus strand). Cytogenetic location: 6q21.
Variant type: single nucleotide variant.
Coding change: c.823A>G on transcript NM_022765.4 (MANE Select); coding-DNA position 823, A replaced by G.
Protein change: p.Lys275Glu; replaces lysine 275 with glutamic acid.
Molecular consequence: missense variant.
Genome position (GRCh38, 1-based): chr6:109,452,255, T>C on the plus strand (A>G on the coding strand, the complement: MICAL1 is on the minus strand). VCF-style: chr6-109452255-T-C. GRCh37 (hg19) VCF-style: chr6-109773458-T-C.
Other names: c.823A>G (NM_022765.3); c.823A>G, p.Lys275Glu (NM_001159291.2); c.880A>G, p.Lys294Glu (NM_001286613.2); short protein forms K275E, K294E.
Identifiers: ClinVar variation 2998622 (VCV002998622.4), dbSNP rs1775572320, ClinGen allele CA365232484.

ClinVar aggregate classification (germline): Uncertain significance. Review status: criteria provided, multiple submitters, no conflicts (2 of 4 stars). 2 submissions from 2 submitters: Uncertain significance (2). Last evaluated 2025-05-26.

Allele frequency attached by ClinVar (database versions not stated): gnomAD 0.00001; gnomAD exomes 0.00001.
gnomAD v4.1: 16 of 1,612,956 alleles (0.00099%); highest among the groups gnomAD compares: Non-Finnish European, 0.0014%; no homozygotes.

Submissions (2):

Ambry Genetics
Classification: Uncertain significance. Last evaluated: 2025-05-26. Review status: criteria provided, single submitter. Criteria: Ambry Variant Classification Scheme 2023. Collection method: clinical testing. Allele origin: germline.

Labcorp Genetics (formerly Invitae), Labcorp
Classification: Uncertain significance. Last evaluated: 2024-12-08. Review status: criteria provided, single submitter. Criteria: Invitae Variant Classification Sherloc (09022015). Collection method: clinical testing. Allele origin: germline.
Comment: This sequence change replaces lysine, which is basic and polar, with glutamic acid, which is acidic and polar, at codon 294 of the MICAL1 protein (p.Lys294Glu). This variant is not present in population databases (gnomAD no frequency). This variant has not been reported in the literature in individuals affected with MICAL1-related conditions. ClinVar contains an entry for this variant (Variation ID: 2998622). An algorithm developed to predict the effect of missense changes on protein structure and function (PolyPhen-2) suggests that this variant is likely to be tolerated. In summary, the available evidence is currently insufficient to determine the role of this variant in disease. Therefore, it has been classified as a Variant of Uncertain Significance.